The following is an entry in ClinVar:

NM_001083962.2(TCF4):c.516_517dup (p.Val173fs)

Gene: TCF4 (transcription factor 4; minus strand). Cytogenetic location: 18q21.2.
Variant type: Duplication.
Coding change: c.516_517dup on transcript NM_001083962.2 (MANE Select); coding-DNA positions 516 to 517, 2 bases duplicated (AG; older notation c.516_517dupAG).
Protein change: p.Val173fs; shifts the reading frame from valine 173.
Molecular consequence: frameshift variant.
Genome position (GRCh38, 1-based): chr18:55,350,391-55,350,392, CT duplicated on the plus strand (AG on the coding strand, the reverse complement: TCF4 is on the minus strand). VCF-style (leftmost placement, unchanged base first): chr18-55350390-A-ACT. GRCh37 (hg19) VCF-style: chr18-53017621-A-ACT.
Other names: c.822_823dup, p.Val275fs (NM_001243226.3); c.444_445dup, p.Val149fs (NM_001243227.2, NM_001306207.1, NM_001348217.1 and 9 more transcripts); c.516_517dup, p.Val173fs (NM_001243228.2, NM_001330604.3, NM_001369567.1 and 5 more transcripts); c.510_511dup, p.Val171fs (NM_001243230.2); c.390_391dup, p.Val131fs (NM_001243231.2, NM_001348211.2); c.303_304dup, p.Val102fs (NM_001243232.1, NM_001306208.1); c.126_127dup, p.Val43fs (NM_001243233.2, NM_001330605.3, NM_001348212.2 and 1 more transcripts); c.441_442dup, p.Val148fs (NM_001348220.1, NM_001369576.1, NM_001369578.1 and 3 more transcripts); and 1 more; short protein forms V173fs, V275fs, V131fs, V43fs, V102fs, V149fs, V148fs, V171fs.
Identifiers: ClinVar variation 207540 (VCV000207540.1), dbSNP rs796053424, ClinGen allele CA319115.

ClinVar aggregate classification (germline): Pathogenic (1 of 4 stars; one submission).

Submission:

GeneDx
Classification: Pathogenic. Last evaluated: 2013-07-31. Review status: criteria provided, single submitter. Criteria: GeneDx Variant Classification (06012015). Collection method: clinical testing. Allele origin: germline. Affected: yes.
Comment: The c.516_517dupAG mutation in the TCF4 gene causes a frameshift starting with codon Valine 173, changes this amino acid to a Glutamic acid residue and creates a premature Stop codon at position 62 of the new reading frame, denoted p.V173EfsX62. This mutation is predicted to cause loss of normal protein function either through protein truncation or nonsense-mediated mRNA decay. The c.516_517dupAG mutation in the TCF4 gene causes a frameshift starting with codon Valine 173, changes this amino acid to a Glutamic acid residue and creates a premature Stop codon at position 62 of the new reading frame, denoted p.V173EfsX62. This mutation is predicted to cause loss of normal protein function either through protein truncation or nonsense-mediated mRNA decay. This variant has been observed to be de novo. The variant is found in TCF4 panel(s).